The following is an entry in ClinVar:

ClinVar aggregate classification (germline): Uncertain significance (1 of 4 stars; one submission).

Conditions:
Long QT syndrome (LQTS). Identifiers: MedGen C0023976, MeSH D008133, MONDO:0002442. Disease mechanism: loss of function. Inheritance: Various modes of inheritance.

Submission:

Labcorp Genetics (formerly Invitae), Labcorp
Classification: Uncertain significance for Long QT syndrome. Last evaluated: 2023-11-17. Review status: criteria provided, single submitter. Criteria: Invitae Variant Classification Sherloc (09022015). Collection method: clinical testing. Allele origin: germline.
Comment: This sequence change replaces aspartic acid, which is acidic and polar, with glutamic acid, which is acidic and polar, at codon 355 of the KCNH2 protein (p.Asp355Glu). This variant is not present in population databases (gnomAD no frequency). This variant has not been reported in the literature in individuals affected with KCNH2-related conditions. An algorithm developed to predict the effect of missense changes on protein structure and function (PolyPhen-2) suggests that this variant is likely to be tolerated. In summary, the available evidence is currently insufficient to determine the role of this variant in disease. Therefore, it has been classified as a Variant of Uncertain Significance.

NM_000238.4(KCNH2):c.1065C>G (p.Asp355Glu)

Gene: KCNH2 (potassium voltage-gated channel subfamily H member 2; minus strand). Cytogenetic location: 7q36.1.
Variant type: single nucleotide variant.
Coding change: c.1065C>G on transcript NM_000238.4 (MANE Select); coding-DNA position 1065, C replaced by G.
Protein change: p.Asp355Glu; replaces aspartic acid 355 with glutamic acid.
Molecular consequence: missense variant. On other transcripts: non-coding transcript variant (1).
Genome position (GRCh38, 1-based): chr7:150,957,354, G>C on the plus strand (C>G on the coding strand, the complement: KCNH2 is on the minus strand). VCF-style: chr7-150957354-G-C. GRCh37 (hg19) VCF-style: chr7-150654442-G-C.
Other names: c.777C>G, p.Asp259Glu (NM_001406753.1, NM_001406756.1); c.888C>G, p.Asp296Glu (NM_001406755.1); c.765C>G, p.Asp255Glu (NM_001406757.1); c.1065C>G, p.Asp355Glu (NM_172056.3); short protein forms D355E, D255E, D259E, D296E.
Identifiers: ClinVar variation 2696445 (VCV002696445.3), dbSNP rs2486081261, ClinGen allele CA369861542.